The following is an entry in ClinVar:

NM_006231.4(POLE):c.691C>A (p.Arg231Ser)

Gene: POLE (DNA polymerase epsilon, catalytic subunit; minus strand). Cytogenetic location: 12q24.33.
Variant type: single nucleotide variant.
Coding change: c.691C>A on transcript NM_006231.4 (MANE Select); coding-DNA position 691, C replaced by A.
Protein change: p.Arg231Ser; replaces arginine 231 with serine.
Molecular consequence: missense variant.
Genome position (GRCh38, 1-based): chr12:132,677,607, G>T on the plus strand (C>A on the coding strand, the complement: POLE is on the minus strand). VCF-style: chr12-132677607-G-T. GRCh37 (hg19) VCF-style: chr12-133254193-G-T.
Other names: short protein forms R231S.
Identifiers: ClinVar variation 1418522 (VCV001418522.6), dbSNP rs146592584, ClinGen allele CA6894237.

ClinVar aggregate classification (germline): Uncertain significance (1 of 4 stars; one submission).

Submission:

Labcorp Genetics (formerly Invitae), Labcorp
Classification: Uncertain significance. Last evaluated: 2021-09-17. Review status: criteria provided, single submitter. Criteria: Invitae Variant Classification Sherloc (09022015). Collection method: clinical testing. Allele origin: germline.
Comment: This variant is present in population databases (rs146592584, ExAC 0.001%). In summary, the available evidence is currently insufficient to determine the role of this variant in disease. Therefore, it has been classified as a Variant of Uncertain Significance. Algorithms developed to predict the effect of sequence changes on RNA splicing suggest that this variant may create or strengthen a splice site. Algorithms developed to predict the effect of missense changes on protein structure and function (SIFT, PolyPhen-2, Align-GVGD) all suggest that this variant is likely to be disruptive. This variant has not been reported in the literature in individuals affected with POLE-related conditions. This sequence change replaces arginine with serine at codon 231 of the POLE protein (p.Arg231Ser). The arginine residue is highly conserved and there is a moderate physicochemical difference between arginine and serine.